The following is an entry in ClinVar:

NM_000053.4(ATP7B):c.1502C>T (p.Ser501Phe)

Gene: ATP7B (ATPase copper transporting beta; minus strand). Cytogenetic location: 13q14.3.
Variant type: single nucleotide variant.
Coding change: c.1502C>T on transcript NM_000053.4 (MANE Select); coding-DNA position 1502, C replaced by T.
Protein change: p.Ser501Phe; replaces serine 501 with phenylalanine.
Molecular consequence: missense variant.
Genome position (GRCh38, 1-based): chr13:51,970,533, G>A on the plus strand (C>T on the coding strand, the complement: ATP7B is on the minus strand). VCF-style: chr13-51970533-G-A. GRCh37 (hg19) VCF-style: chr13-52544669-G-A.
Other names: c.1502C>T, p.Ser501Phe (NM_001005918.3, NM_001330578.2, NM_001330579.2 and 28 more transcripts); c.1169C>T, p.Ser390Phe (NM_001243182.2); c.1406C>T, p.Ser469Phe (NM_001406530.1, NM_001406517.1, NM_001406518.1 and 3 more transcripts); c.1073C>T, p.Ser358Phe (NM_001406539.1); short protein forms S469F, S501F, S358F, S390F.
Identifiers: ClinVar variation 2150112 (VCV002150112.2), dbSNP rs767017514, ClinGen allele CA6989336.
Genomic context (GRCh38, chr13:51,970,533, plus strand): 5'-ATGGGCGTTCATCTCTTACCAGCTTCTTTCTGCAGATTCCTTTCTATGTTAGACACACAG[G>A]ATGCACAGGTCATGCCTTTGATCTGTAAGAAGCACTTCTGCGGTGCCACTGCTCTGGTTG-3'
Protein context (NP_000044.2, residues 491-511): FLQIKGMTCA[Ser501Phe]CVSNIERNLQ

ClinVar aggregate classification (germline): Uncertain significance. Review status: criteria provided, multiple submitters, no conflicts (2 of 4 stars). 2 submissions from 2 submitters: Uncertain significance (2). Last evaluated 2024-06-17.

Conditions:
Wilson disease (WND). Also called: Wilson's disease. Identifiers: Orphanet 905, MedGen C0019202, MONDO:0010200, OMIM 277900. Disease mechanism: loss of function.

Allele frequency attached by ClinVar (database versions not stated): gnomAD exomes 0.00002; ExAC 0.00004.
gnomAD v4.1: 27 of 1,614,118 alleles (0.0017%); highest among the groups gnomAD compares: South Asian, 0.016%; no homozygotes.

Submissions (2):

All of Us Research Program, National Institutes of Health
Classification: Uncertain significance for Wilson disease. Last evaluated: 2024-06-17. Review status: criteria provided, single submitter. Criteria: ACMG Guidelines, 2015. Collection method: clinical testing. Allele origin: germline. Inheritance: Autosomal recessive inheritance. Observed: 3 variant alleles, 3 heterozygotes.
Comment: This missense variant replaces serine with phenylalanine at codon 501 of the ATP7B protein. Computational prediction suggests that this variant may have deleterious impact on protein structure and function. To our knowledge, functional studies have not been reported for this variant. This variant has not been reported in individuals affected with ATP7B-related disorders in the literature. This variant has been identified in 8/249320 chromosomes in the general population by the Genome Aggregation Database (gnomAD). The available evidence is insufficient to determine the role of this variant in disease conclusively. Therefore, this variant is classified as a Variant of Uncertain Significance.

This study involves interpretation of variants in research participants for the purpose of population health screening. Participant phenotype was not available at the time of variant classification. Additional details can be found in publication PMID: 35346344, PMCID: PMC8962531

Labcorp Genetics (formerly Invitae), Labcorp
Classification: Uncertain significance for Wilson disease. Last evaluated: 2022-04-08. Review status: criteria provided, single submitter. Criteria: Invitae Variant Classification Sherloc (09022015). Collection method: clinical testing. Allele origin: germline.
Comment: This sequence change replaces serine, which is neutral and polar, with phenylalanine, which is neutral and non-polar, at codon 501 of the ATP7B protein (p.Ser501Phe). This variant is present in population databases (rs767017514, gnomAD 0.03%). This variant has not been reported in the literature in individuals affected with ATP7B-related conditions. Advanced modeling of protein sequence and biophysical properties (such as structural, functional, and spatial information, amino acid conservation, physicochemical variation, residue mobility, and thermodynamic stability) performed at Invitae indicates that this missense variant is expected to disrupt ATP7B protein function. In summary, the available evidence is currently insufficient to determine the role of this variant in disease. Therefore, it has been classified as a Variant of Uncertain Significance.